The following is an entry in ClinVar:

NM_024009.3(GJB3):c.*626C>G

Gene: GJB3 (gap junction protein beta 3; plus strand). Cytogenetic location: 1p34.3.
Variant type: single nucleotide variant.
Coding change: c.*626C>G on transcript NM_024009.3 (MANE Select); 626 bases downstream of the stop codon, C replaced by G.
Molecular consequence: 3 prime UTR variant.
Genome position (GRCh38, 1-based): chr1:34,786,201, C>G. VCF-style: chr1-34786201-C-G. GRCh37 (hg19) VCF-style: chr1-35251802-C-G.
Other names: c.*626C>G (NM_001005752.2).
Identifiers: ClinVar variation 297211 (VCV000297211.5), dbSNP rs74567877, ClinGen allele CA10610098.
Genomic context (GRCh38, chr1:34,786,201, plus strand): 5'-AGATACCCAGAGGTCCCCCAGGTCATCACTTGGCTCAGTGGAAGCCCTCTTTCCCCAAAT[C>G]CTACTCCCTCAGCCTCAGGCAGTGGTGCTCCCATCTTCCTCCCCACAACTGTGCTCAGGC-3'

ClinVar aggregate classification (germline): Benign (1 of 4 stars; one submission).

Conditions:
Erythrokeratodermia variabilis et progressiva 1 (EKVP1). Also called: ERYTHROKERATODERMIA FIGURATA, CONGENITAL FAMILIAL, IN PLAQUES; ERYTHROKERATODERMIA VARIABILIS WITH ERYTHEMA GYRATUM REPENS; ERYTHROKERATODERMIA, PROGRESSIVE SYMMETRIC. Identifiers: Orphanet 317, MedGen C4551486, MONDO:0033010, OMIM 133200.

Allele frequency attached by ClinVar (database versions not stated): gnomAD exomes 0.00118; gnomAD 0.00575 and 0.00669; TOPMed 0.01039; 1000 Genomes Project 30x 0.01686; 1000 Genomes Project 0.01757.

Submission:

Illumina Laboratory Services, Illumina
Classification: Benign for Erythrokeratodermia variabilis et progressiva 1. Last evaluated: 2018-01-12. Review status: criteria provided, single submitter. Criteria: ICSL Variant Classification Criteria 13 December 2019. Collection method: clinical testing. Allele origin: germline.
Comment: This variant was observed in the ICSL laboratory as part of a predisposition screen in an ostensibly healthy population. It had not been previously curated by ICSL or reported in the Human Gene Mutation Database (HGMD: prior to June 1st, 2018), and was therefore a candidate for classification through an automated scoring system. Utilizing variant allele frequency, disease prevalence and penetrance estimates, and inheritance mode, an automated score was calculated to assess if this variant is too frequent to cause the disease. Based on the score and internal cut-off values, a variant classified as benign is not then subjected to further curation. The score for this variant resulted in a classification of benign for this disease.